The following is an entry in ClinVar:

ClinVar aggregate classification (germline): not provided (0 of 4 stars; one submission).

Allele frequency attached by ClinVar (database versions not stated): 1000 Genomes Project 0.00020; 1000 Genomes Project 30x 0.00062.

Submission:

Human Evolutionary Genetics, Institut Pasteur
No classification provided. Review status: no classification provided. Collection method: not provided. Allele origin: germline.
ClinVar note: Converted during submission from untested to not provided.

NM_134444.5(NLRP4):c.-66+6G>T

Gene: NLRP4 (NLR family pyrin domain containing 4; plus strand). Cytogenetic location: 19q13.43.
Variant type: single nucleotide variant.
Coding change: c.-66+6G>T on transcript NM_134444.5 (MANE Select); 6 bases into the intron after 66 bases upstream of the start codon, G replaced by T.
Molecular consequence: intron variant.
Genome position (GRCh38, 1-based): chr19:55,836,940, G>T. VCF-style: chr19-55836940-G-T. GRCh37 (hg19) VCF-style: chr19-56348306-G-T.
Identifiers: ClinVar variation 103216 (VCV000103216.2), dbSNP rs199475743, ClinGen allele CA230270.
Genomic context (GRCh38, chr19:55,836,940, plus strand): 5'-CATCTCTGTTGACACAAACATGTAGGAGAAGCTGGAGAACATAGACAGGGATGAGGTAAG[G>T]GGGGGGACTTCCCATGAAAGGTGGGACCCAAGCCCTCTCTGCTCTTGTGAGCTTGCTCTC-3'